The following is an entry in ClinVar:

NM_002249.6(KCNN3):c.766C>T (p.Pro256Ser)

Gene: KCNN3 (potassium calcium-activated channel subfamily N member 3; minus strand). Cytogenetic location: 1q21.3.
Variant type: single nucleotide variant.
Coding change: c.766C>T on transcript NM_002249.6 (MANE Select); coding-DNA position 766, C replaced by T.
Protein change: p.Pro256Ser; replaces proline 256 with serine.
Molecular consequence: missense variant.
Genome position (GRCh38, 1-based): chr1:154,869,199, G>A on the plus strand (C>T on the coding strand, the complement: KCNN3 is on the minus strand). VCF-style: chr1-154869199-G-A. GRCh37 (hg19) VCF-style: chr1-154841675-G-A.
Other names: c.766C>T, p.Pro256Ser (NM_001204087.2); short protein forms P256S.
Identifiers: ClinVar variation 3371678 (VCV003371678.1).

ClinVar aggregate classification (germline): Uncertain significance (1 of 4 stars; one submission).

gnomAD v4.1: 1 of 1,614,166 alleles (0.000062%); highest among the groups gnomAD compares: Non-Finnish European, 0.000085%; no homozygotes.

Submission:

GeneDx
Classification: Uncertain significance. Last evaluated: 2024-03-26. Review status: criteria provided, single submitter. Criteria: GeneDx Variant Classification Process June 2021. Collection method: clinical testing. Allele origin: germline. Affected: yes.
Comment: Not observed at significant frequency in large population cohorts (gnomAD); In silico analysis supports that this missense variant does not alter protein structure/function; Has not been previously published as pathogenic or benign to our knowledge